The following is an entry in ClinVar:

NC_000019.10:g.35905884_35911125del

Genes: TYROBP (transmembrane immune signaling adaptor TYROBP; minus strand), LOC130064269 (ATAC-STARR-seq lymphoblastoid active region 14505; plus strand), LOC130064270 (ATAC-STARR-seq lymphoblastoid active region 14506; plus strand), LOC130064271 (ATAC-STARR-seq lymphoblastoid active region 14507; plus strand). Cytogenetic location: 19q13.12.
Variant type: Deletion.
Genome position: GRCh38: chr19:35,905,884-35,911,125. GRCh37 (hg19): chr19:36,396,786-36,402,027.
Other names: 5.3-kbdeletion; deletion of ex 1-4; 5.3-kb deletion.
Identifiers: ClinVar variation 192243 (VCV000192243.4), ClinGen allele CA347278.

ClinVar aggregate classification (germline): not provided (0 of 4 stars; one submission).

Conditions:
Polycystic lipomembranous osteodysplasia with sclerosing leukoencephalopathy 1 (PLOSL1). Also called: TYROBP-Related Polycystic Lipomembranous Osteodysplasia with Sclerosing Leukoencephalopathy. Identifiers: Orphanet 2770, MedGen C4721893, MONDO:0020749, OMIM 221770.

Submission:

GeneReviews
No classification provided. Condition: Polycystic lipomembranous osteodysplasia with sclerosing leukoencephalopathy 1. Review status: no classification provided. Collection method: literature only. Allele origin: germline. Affected: yes.
Comment: Because the exon 1-4 deletion is an Alu- mediated recombination event, the breakpoint is not known precisely; here it is shown at the repetitive sequence at the 5’ end of the breakpoint.

Literature cited by the submitters: PubMed 10888890; PubMed 11109371; NCBI Bookshelf NBK1197.